The following is an entry in ClinVar:

NM_002076.4(GNS):c.*411G>A

Gene: GNS (glucosamine (N-acetyl)-6-sulfatase; minus strand). Cytogenetic location: 12q14.3.
Variant type: single nucleotide variant.
Coding change: c.*411G>A on transcript NM_002076.4 (MANE Select); 411 bases downstream of the stop codon, G replaced by A.
Molecular consequence: 3 prime UTR variant.
Genome position (GRCh38, 1-based): chr12:64,716,330, C>T on the plus strand (G>A on the coding strand, the complement: GNS is on the minus strand). VCF-style: chr12-64716330-C-T. GRCh37 (hg19) VCF-style: chr12-65110110-C-T.
Identifiers: ClinVar variation 310197 (VCV000310197.6), dbSNP rs11175525, ClinGen allele CA10642307.

ClinVar aggregate classification (germline): Benign. Review status: criteria provided, multiple submitters, no conflicts (2 of 4 stars). 2 submissions from 2 submitters: Benign (2). Last evaluated 2018-01-13.

Conditions:
Mucopolysaccharidosis, MPS-III-D (MPS3D). Also called: MPS IIID (Sanfilippo Syndrome Type D); MPS III D; Mucopoly-saccharidosis type 3D; N-acetylglucosamine-6-sulfate sulfatase deficiency; MPS 3D; N-ACETYLGLUCOSAMINE-6-SULFATASE DEFICIENCY. Identifiers: Orphanet 581, Orphanet 79272, MedGen C0086650, MONDO:0009658, OMIM 252940.

Allele frequency attached by ClinVar (database versions not stated): 1000 Genomes Project 30x 0.06355; gnomAD exomes 0.01668; gnomAD 0.06055 and 0.06452; TOPMed 0.06845; 1000 Genomes Project 0.05871.
gnomAD v4.1: 11,089 of 267,528 alleles (4.1%); highest among the groups gnomAD compares: African/African-American, 18%; 784 homozygotes.

Submissions (2):

Illumina Laboratory Services, Illumina
Classification: Benign for Mucopolysaccharidosis, MPS-III-D. Last evaluated: 2018-01-13. Review status: criteria provided, single submitter. Criteria: ICSL Variant Classification Criteria 13 December 2019. Collection method: clinical testing. Allele origin: germline.
Comment: This variant was observed in the ICSL laboratory as part of a predisposition screen in an ostensibly healthy population. It had not been previously curated by ICSL or reported in the Human Gene Mutation Database (HGMD: prior to June 1st, 2018), and was therefore a candidate for classification through an automated scoring system. Utilizing variant allele frequency, disease prevalence and penetrance estimates, and inheritance mode, an automated score was calculated to assess if this variant is too frequent to cause the disease. Based on the score and internal cut-off values, a variant classified as benign is not then subjected to further curation. The score for this variant resulted in a classification of benign for this disease.

Breakthrough Genomics
Classification: Benign. Review status: criteria provided, single submitter. Criteria: ACMG Guidelines, 2015. Collection method: not provided. Allele origin: germline. Inheritance: Autosomal recessive inheritance. Affected: yes.